The following is an entry in ClinVar:

ClinVar aggregate classification (germline): Uncertain significance (1 of 4 stars; one submission).

Conditions:
Loeys-Dietz syndrome (LDS). Identifiers: Orphanet 60030, MedGen C2697932, MONDO:0018954.

Submission:

All of Us Research Program, National Institutes of Health
Classification: Uncertain significance for Loeys-Dietz syndrome. Last evaluated: 2023-05-16. Review status: criteria provided, single submitter. Criteria: ACMG Guidelines, 2015. Collection method: clinical testing. Allele origin: germline. Inheritance: Autosomal dominant inheritance. Observed: 1 variant allele, 1 heterozygote.
Comment: This variant deletes 1 nucleotide in exon 6 of the TGFBR1 gene, creating a frameshift and premature translation stop signal. This variant is expected to result in an absent or non-functional protein product. To our knowledge, this variant has not been reported in individuals affected with TGFBR1-related disorders in the literature. This variant has not been identified in the general population by the Genome Aggregation Database (gnomAD). Clinical relevance of loss-of-function TGFBR1 truncation variants in autosomal dominant cardiovascular disorders is not clearly established. The available evidence is insufficient to determine the role of this variant in disease conclusively. Therefore, this variant is classified as a Variant of Uncertain Significance.

This study involves interpretation of variants in research participants for the purpose of population health screening. Participant phenotype was not available at the time of variant classification. Additional details can be found in publication PMID: 35346344, PMCID: PMC8962531

NM_004612.4(TGFBR1):c.1019del (p.Leu340fs)

Gene: TGFBR1 (transforming growth factor beta receptor 1; plus strand). Cytogenetic location: 9q22.33.
Variant type: Deletion.
Coding change: c.1019del on transcript NM_004612.4 (MANE Select); coding-DNA position 1019, one base deleted (T; older notation c.1019delT).
Protein change: p.Leu340fs; shifts the reading frame from leucine 340.
Molecular consequence: frameshift variant. On other transcripts: non-coding transcript variant (4).
Genome position (GRCh38, 1-based): chr9:99,144,777, T deleted; the last of 2 consecutive T bases (chr9:99,144,776-99,144,777); deleting either gives the same sequence. VCF-style (leftmost placement, unchanged base first): chr9-99144775-CT-C. GRCh37 (hg19) VCF-style: chr9-101907057-CT-C.
Other names: c.788del, p.Leu263fs (NM_001130916.3, NM_001407435.1); c.1031del, p.Leu344fs (NM_001306210.2); c.863del, p.Leu288fs (NM_001407416.1); c.851del, p.Leu284fs (NM_001407417.1); c.824del, p.Leu275fs (NM_001407418.1, NM_001407419.1, NM_001407420.1 and 1 more transcripts); c.812del, p.Leu271fs (NM_001407423.1, NM_001407424.1, NM_001407425.1 and 8 more transcripts); c.773del, p.Leu258fs (NM_001407436.1); c.311del, p.Leu104fs (NM_001407437.1); and 1 more; short protein forms L104fs, L181fs, L258fs, L263fs, L271fs, L275fs, L284fs, L288fs.
Identifiers: ClinVar variation 3071245 (VCV003071245.1), dbSNP rs2490236629, ClinGen allele CA2825001659.